The following is an entry in ClinVar:

NM_002202.3(ISL1):c.520G>A (p.Val174Ile)

Gene: ISL1 (ISL LIM homeobox 1; plus strand). Cytogenetic location: 5q11.1.
Variant type: single nucleotide variant.
Coding change: c.520G>A on transcript NM_002202.3 (MANE Select); coding-DNA position 520, G replaced by A.
Protein change: p.Val174Ile; replaces valine 174 with isoleucine.
Molecular consequence: missense variant.
Genome position (GRCh38, 1-based): chr5:51,389,687, G>A. VCF-style: chr5-51389687-G-A. GRCh37 (hg19) VCF-style: chr5-50685521-G-A.
Other names: short protein forms V174I.
Identifiers: ClinVar variation 4983677 (VCV004983677.1).
Genomic context (GRCh38, chr5:51,389,687, plus strand): 5'-GGCGCTCCTTGCCCCGCAGCGGAGCCCATCTCCGCCAGGCAGCCAGCCCTGCGGCCCCAC[G>A]TCCACAAGCAGCCGGAGAAGACCACCCGCGTGCGGACTGTGCTGAACGAGAAGCAGCTGC-3'
Protein context (NP_002193.2, residues 164-184): SARQPALRPH[Val174Ile]HKQPEKTTRV

ClinVar aggregate classification (germline): Uncertain significance (1 of 4 stars; one submission).

Conditions:
ISL1-related disorder. Also called: ISL1-related condition.

gnomAD v4.1: 2 of 1,612,776 alleles (0.00012%); highest among the groups gnomAD compares: Non-Finnish European, 0.00017%; no homozygotes.

Submission:

PreventionGenetics, part of Exact Sciences
Classification: Uncertain significance for ISL1-related condition. Last evaluated: 2026-07-01. Review status: criteria provided, single submitter. Criteria: ACMG Guidelines, 2015. Collection method: clinical testing. Allele origin: germline.
Comment: The ISL1 c.520G>A variant is predicted to result in the amino acid substitution p.Val174Ile. To our knowledge, this variant has not been reported in the literature. This variant is absent from the ~249,000 alleles present in gnomAD. At this time, the clinical significance of this variant is uncertain due to the absence of conclusive functional and genetic evidence.